The following is an entry in ClinVar:

ClinVar aggregate classification (germline): Uncertain significance (1 of 4 stars; one submission).

Conditions:
TTN-related disorder. Also called: TTN-related disorders; TTN-related condition; TTN-related disease.

gnomAD v4.1: 16 of 1,613,680 alleles (0.00099%); highest among the groups gnomAD compares: African/African-American, 0.021%; no homozygotes.

Submission:

PreventionGenetics, part of Exact Sciences
Classification: Uncertain significance for TTN-related condition. Last evaluated: 2025-03-31. Review status: criteria provided, single submitter. Criteria: ACMG Guidelines, 2015. Collection method: clinical testing. Allele origin: germline.
Comment: The TTN c.10579G>T variant is predicted to result in the amino acid substitution p.Val3527Phe. To our knowledge, this variant has not been reported in the literature. This variant is reported in 0.034% of alleles in individuals of African descent in gnomAD. At this time, the clinical significance of this variant is uncertain due to the absence of conclusive functional and genetic evidence.

NM_001267550.2(TTN):c.10579G>T (p.Val3527Phe)

Gene: TTN (titin; minus strand). Cytogenetic location: 2q31.2.
Variant type: single nucleotide variant.
Coding change: c.10579G>T on transcript NM_001267550.2 (MANE Select); coding-DNA position 10579, G replaced by T.
Protein change: p.Val3527Phe; replaces valine 3527 with phenylalanine.
Molecular consequence: missense variant. On other transcripts: intron variant (5).
Genome position (GRCh38, 1-based): chr2:178,757,641, C>A on the plus strand (G>T on the coding strand, the complement: TTN is on the minus strand). VCF-style: chr2-178757641-C-A. GRCh37 (hg19) VCF-style: chr2-179622368-C-A.
Other names: c.10441G>T, p.Val3481Phe (NM_133432.3); c.10165+1343G>T (NM_003319.4); c.10166-844G>T (NM_133437.4); c.10303+1343G>T (NM_133378.4, NM_001256850.1, NM_133379.5); short protein forms V3481F, V3527F.
Identifiers: ClinVar variation 4982990 (VCV004982990.1).
Genomic context (GRCh38, chr2:178,757,641, plus strand): 5'-CCCCAGCACTATTGGCTGCTTTGCAAGAGTACTGCCCAGCATGCTCTGAGTAAGCATCAA[C>A]TATAAGCATTAAAGCCATGCCTGTGGACTCCTCAAAATGGAAAACTACATCTTTTGTTGG-3'
Protein context (NP_001254479.2, residues 3517-3537): ESTGMALMLI[Val3527Phe]DAYSEHAGQY